The following is an entry in ClinVar:

ClinVar aggregate classification (germline): Uncertain significance. Review status: criteria provided, multiple submitters, no conflicts (2 of 4 stars). 2 submissions from 2 submitters: Uncertain significance (2). Last evaluated 2025-10-02.

Conditions:
Inborn genetic diseases. Identifiers: MedGen C0950123, MeSH D030342.
Spastic paraplegia. Identifiers: MedGen C0037772, HP:0001258.

Allele frequency attached by ClinVar (database versions not stated): gnomAD exomes 0.00001 and 0.00002; TOPMed 0.00001; gnomAD 0.00002; ExAC 0.00003.

Submissions (2):

Ambry Genetics
Classification: Uncertain significance for Inborn genetic diseases. Last evaluated: 2025-10-02. Review status: criteria provided, single submitter. Criteria: Ambry Variant Classification Scheme 2023. Collection method: clinical testing. Allele origin: germline.

Labcorp Genetics (formerly Invitae), Labcorp
Classification: Uncertain significance for Spastic paraplegia. Last evaluated: 2021-10-16. Review status: criteria provided, single submitter. Criteria: Invitae Variant Classification Sherloc (09022015). Collection method: clinical testing. Allele origin: germline.
Comment: This sequence change replaces threonine with methionine at codon 354 of the RTN2 protein (p.Thr354Met). The threonine residue is weakly conserved and there is a moderate physicochemical difference between threonine and methionine. In summary, the available evidence is currently insufficient to determine the role of this variant in disease. Therefore, it has been classified as a Variant of Uncertain Significance. Algorithms developed to predict the effect of missense changes on protein structure and function (SIFT, PolyPhen-2, Align-GVGD) all suggest that this variant is likely to be tolerated. This variant has not been reported in the literature in individuals affected with RTN2-related conditions. This variant is present in population databases (rs762160784, ExAC 0.005%).

NM_005619.5(RTN2):c.1061C>T (p.Thr354Met)

Genes: OPA3-RTN2 (OPA3-RTN2 readthrough; minus strand), RTN2 (reticulon 2; minus strand). Cytogenetic location: 19q13.32.
Variant type: single nucleotide variant.
Coding change: c.1061C>T on transcript NM_005619.5 (MANE Select); coding-DNA position 1061, C replaced by T.
Protein change: p.Thr354Met; replaces threonine 354 with methionine.
Molecular consequence: missense variant.
Genome position (GRCh38, 1-based): chr19:45,489,526, G>A on the plus strand (C>T on the coding strand, the complement: RTN2 is on the minus strand). VCF-style: chr19-45489526-G-A. GRCh37 (hg19) VCF-style: chr19-45992784-G-A.
Other names: c.842C>T, p.Thr281Met (NM_206900.3); c.41C>T, p.Thr14Met (NM_206901.3); c.1061C>T (NM_005619.3); short protein forms T14M, T354M, T281M.
Identifiers: ClinVar variation 1434742 (VCV001434742.7), dbSNP rs762160784, ClinGen allele CA9516089.